The following is an entry in ClinVar:

NM_000642.3(AGL):c.3688A>G (p.Met1230Val)

Gene: AGL (amylo-alpha-1,6-glucosidase and 4-alpha-glucanotransferase; plus strand). Cytogenetic location: 1p21.2.
Variant type: single nucleotide variant.
Coding change: c.3688A>G on transcript NM_000642.3 (MANE Select); coding-DNA position 3688, A replaced by G.
Protein change: p.Met1230Val; replaces methionine 1230 with valine.
Molecular consequence: missense variant.
Genome position (GRCh38, 1-based): chr1:99,902,782, A>G. VCF-style: chr1-99902782-A-G. GRCh37 (hg19) VCF-style: chr1-100368338-A-G.
Other names: c.3688A>G, p.Met1230Val (NM_000028.3, NM_000643.3, NM_000644.3 and 1 more transcripts); c.3640A>G, p.Met1214Val (NM_000646.3); c.3667A>G, p.Met1223Val (NM_001425326.1); c.3487A>G, p.Met1163Val (NM_001425327.1); c.3484A>G, p.Met1162Val (NM_001425328.1); c.3349A>G, p.Met1117Val (NM_001425329.1); c.3310A>G, p.Met1104Val (NM_001425332.1); short protein forms M1214V, M1230V, M1104V, M1117V, M1162V, M1163V, M1223V.
Identifiers: ClinVar variation 1985453 (VCV001985453.3), dbSNP rs1557782247, ClinGen allele CA341335290.

ClinVar aggregate classification (germline): Uncertain significance (1 of 4 stars; one submission).

Conditions:
Glycogen storage disease type III (GSD3). Also called: Cori disease; FORBES DISEASE. Identifiers: Orphanet 366, MedGen C0017922, MONDO:0009291, OMIM 232400.

Allele frequency attached by ClinVar (database versions not stated): gnomAD exomes below 0.00001.

Submission:

Labcorp Genetics (formerly Invitae), Labcorp
Classification: Uncertain significance for Glycogen storage disease type III. Last evaluated: 2022-06-03. Review status: criteria provided, single submitter. Criteria: Invitae Variant Classification Sherloc (09022015). Collection method: clinical testing. Allele origin: germline.
Comment: In summary, the available evidence is currently insufficient to determine the role of this variant in disease. Therefore, it has been classified as a Variant of Uncertain Significance. Algorithms developed to predict the effect of missense changes on protein structure and function are either unavailable or do not agree on the potential impact of this missense change (SIFT: "Deleterious"; PolyPhen-2: "Probably Damaging"; Align-GVGD: "Class C15"). This variant has not been reported in the literature in individuals affected with AGL-related conditions. This variant is not present in population databases (gnomAD no frequency). This sequence change replaces methionine, which is neutral and non-polar, with valine, which is neutral and non-polar, at codon 1230 of the AGL protein (p.Met1230Val).